The following is an entry in ClinVar:

ClinVar aggregate classification (germline): Uncertain significance (1 of 4 stars; one submission).

Allele frequency attached by ClinVar (database versions not stated): gnomAD exomes below 0.00001; ExAC 0.00001.

Submission:

CeGaT Center for Human Genetics Tuebingen
Classification: Uncertain significance. Last evaluated: 2022-07-01. Review status: criteria provided, single submitter. Criteria: CeGaT Center For Human Genetics Tuebingen Variant Classification Criteria Version 2. Collection method: clinical testing. Allele origin: germline. Affected: yes. Observed: 1 variant allele.
Comment: HNRNPU: PS2:Moderate, PP2

NM_031844.3(HNRNPU):c.2366G>A (p.Arg789Gln)

Gene: HNRNPU (heterogeneous nuclear ribonucleoprotein U; minus strand). Cytogenetic location: 1q44.
Variant type: single nucleotide variant.
Coding change: c.2366G>A on transcript NM_031844.3 (MANE Select); coding-DNA position 2366, G replaced by A.
Protein change: p.Arg789Gln; replaces arginine 789 with glutamine.
Molecular consequence: missense variant.
Genome position (GRCh38, 1-based): chr1:244,855,031, C>T on the plus strand (G>A on the coding strand, the complement: HNRNPU is on the minus strand). VCF-style: chr1-244855031-C-T. GRCh37 (hg19) VCF-style: chr1-245018333-C-T.
Other names: c.2309G>A, p.Arg770Gln (NM_004501.3); short protein forms R770Q, R789Q.
Identifiers: ClinVar variation 2640223 (VCV002640223.24), dbSNP rs749543331, ClinGen allele CA1486248.